The following is an entry in ClinVar:

ClinVar aggregate classification (germline): Likely benign. Review status: criteria provided, multiple submitters, no conflicts (2 of 4 stars). 2 submissions from 2 submitters: Likely benign (2). Last evaluated 2025-12-09.

Conditions:
FAT4-related disorder. Also called: FAT4-related condition.

Allele frequency attached by ClinVar (database versions not stated): gnomAD exomes 0.00002 and 0.00012; gnomAD 0.00004 and 0.00006; TOPMed 0.00005; ExAC 0.00011; 1000 Genomes Project 0.00060; 1000 Genomes Project 30x 0.00062.
gnomAD v4.1: 38 of 1,614,092 alleles (0.0024%); highest among the groups gnomAD compares: East Asian, 0.082%; no homozygotes.

Submissions (2):

Labcorp Genetics (formerly Invitae), Labcorp
Classification: Likely benign. Last evaluated: 2025-12-09. Review status: criteria provided, single submitter. Criteria: Invitae Variant Classification Sherloc (09022015). Collection method: clinical testing. Allele origin: germline.

PreventionGenetics, part of Exact Sciences
Classification: Likely benign for FAT4-related condition. Last evaluated: 2025-04-07. Review status: criteria provided, single submitter. Criteria: ACMG Guidelines, 2015. Collection method: clinical testing. Allele origin: germline.
Comment: This variant is classified as likely benign based on ACMG/AMP sequence variant interpretation guidelines (Richards et al. 2015 PMID: 25741868, with internal and published modifications).

NM_001291303.3(FAT4):c.5034A>G (p.Gly1678=)

Gene: FAT4 (FAT atypical cadherin 4; plus strand). Cytogenetic location: 4q28.1.
Variant type: single nucleotide variant.
Coding change: c.5034A>G on transcript NM_001291303.3 (MANE Select); coding-DNA position 5034, A replaced by G.
Protein change: p.Gly1678=; no amino-acid change (glycine 1678 retained).
Molecular consequence: synonymous variant.
Genome position (GRCh38, 1-based): chr4:125,321,445, A>G. VCF-style: chr4-125321445-A-G. GRCh37 (hg19) VCF-style: chr4-126242600-A-G.
Other names: c.5034A>G, p.Gly1678= (NM_001291285.3, NM_024582.6); c.5034A>G (NM_024582.4).
Identifiers: ClinVar variation 1623455 (VCV001623455.9), dbSNP rs557542395, ClinGen allele CA3072562.